The following is an entry in ClinVar:

NM_031935.3(HMCN1):c.7990T>C (p.Tyr2664His)

Gene: HMCN1 (hemicentin 1; plus strand). Cytogenetic location: 1q31.1.
Variant type: single nucleotide variant.
Coding change: c.7990T>C on transcript NM_031935.3 (MANE Select); coding-DNA position 7990, T replaced by C.
Protein change: p.Tyr2664His; replaces tyrosine 2664 with histidine.
Molecular consequence: missense variant.
Genome position (GRCh38, 1-based): chr1:186,069,773, T>C. VCF-style: chr1-186069773-T-C. GRCh37 (hg19) VCF-style: chr1-186038905-T-C.
Other names: short protein forms Y2664H.
Identifiers: ClinVar variation 4808327 (VCV004808327.1).

ClinVar aggregate classification (germline): Uncertain significance (1 of 4 stars; one submission).

gnomAD v4.1: 1 of 1,601,138 alleles (0.000062%); highest among the groups gnomAD compares: East Asian, 0.0022%; no homozygotes.

Submission:

Labcorp Genetics (formerly Invitae), Labcorp
Classification: Uncertain significance. Last evaluated: 2025-08-02. Review status: criteria provided, single submitter. Criteria: Invitae Variant Classification Sherloc (09022015). Collection method: clinical testing. Allele origin: germline.
Comment: This sequence change replaces tyrosine, which is neutral and polar, with histidine, which is basic and polar, at codon 2664 of the HMCN1 protein (p.Tyr2664His). This variant is not present in population databases (gnomAD no frequency). This variant has not been reported in the literature in individuals affected with HMCN1-related conditions. An algorithm developed to predict the effect of missense changes on protein structure and function (PolyPhen-2) suggests that this variant is likely to be disruptive. In summary, the available evidence is currently insufficient to determine the role of this variant in disease. Therefore, it has been classified as a Variant of Uncertain Significance.